The following is an entry in ClinVar:

ClinVar aggregate classification (germline): Conflicting classifications of pathogenicity. Review status: criteria provided, conflicting classifications (1 of 4 stars). 3 submissions from 3 submitters: Likely pathogenic (1); Uncertain significance (1). 1 of the submissions does not count toward it. Last evaluated 2025-12-01.

Conditions:
Galactosylceramide beta-galactosidase deficiency. Also called: GALACTOCEREBROSIDASE DEFICIENCY; GALC DEFICIENCY; GLOBOID CELL LEUKOENCEPHALOPATHY; Leukodystrophy, Globoid Cell; Krabbe Disease. Identifiers: Orphanet 487, MedGen C0023521, MONDO:0009499, OMIM 245200.

Allele frequency attached by ClinVar (database versions not stated): gnomAD exomes below 0.00001; TOPMed below 0.00001; gnomAD 0.00001.
gnomAD v4.1: 2 of 1,608,808 alleles (0.00012%); highest among the groups gnomAD compares: Non-Finnish European, 0.00017%; no homozygotes.

Submissions (3):

Natera, Inc.
Classification: Likely pathogenic for Galactosylceramide beta-galactosidase deficiency. Last evaluated: 2025-12-01. Review status: criteria provided, single submitter. Criteria: Natera Variant Classification Schema (03/2026). Collection method: clinical testing. Allele origin: germline.
Comment: The c.1895T>C variant in GALC is a missense variant predicted to cause substitution of leucine to proline at amino acid 632. This variant is rare in the general population with a frequency below the threshold expected for the associated phenotype(s). This variant has been observed in one or more individuals affected with the associated recessive disease, as either homozygous or compound heterozygous with a second variant (PMID: 30777126). Functional studies show that this variant may disrupt protein function (PMID: 27638593). Computational prediction algorithms indicate this variant is likely to affect gene or protein function. Given the available evidence, this variant is classified as Likely Pathogenic.

Women's Health and Genetics/Laboratory Corporation of America, LabCorp
Classification: Uncertain significance. Last evaluated: 2023-07-28. Review status: criteria provided, single submitter. Criteria: LabCorp Variant Classification Summary - May 2015. Collection method: clinical testing. Allele origin: germline.
Comment: Variant summary: GALC c.1895T>C (p.Leu632Pro) results in a non-conservative amino acid change in the encoded protein sequence. Five of five in-silico tools predict a damaging effect of the variant on protein function. The variant allele was found at a frequency of 4e-06 in 248836 control chromosomes. c.1895T>C has been reported in the literature in at least two individuals affected with Krabbe Disease (e.g. Orsini_2016, Beltran-Quintero_2019). One individual was found only to be heterozygous, and the other individual was found to be compound heterozygous with a pathogenic variant (p.Arg210*). These data suggest that the variant may be associated with disease, but do not allow any definitive conclusion about variant significance. At least one publication reports experimental evidence evaluating an impact on protein function (Saavedra-Matiz_2016). The most pronounced variant effect results in 10%-<30% of normal activity. The following publications have been ascertained in the context of this evaluation (PMID: 30777126, 26795590, 27638593). One submitter has cited clinical-significance assessments for this variant to ClinVar after 2014 and has classified the variant as uncertain significance. Based on the evidence outlined above, the variant was classified as VUS-possibly pathogenic.

Counsyl
Classification: Uncertain significance for Galactosylceramide beta-galactosidase deficiency. Last evaluated: 2017-05-23. Review status: no assertion criteria provided. Collection method: clinical testing. Allele origin: unknown. Not counted in ClinVar's aggregate classification.

Literature cited by the submitters: PubMed 30777126 (cited by Natera, Inc. and Women's Health and Genetics/Laboratory Corporation of America, LabCorp); PubMed 27638593 (cited by 3 submitters); PubMed 26795590 (cited by Women's Health and Genetics/Laboratory Corporation of America, LabCorp).

NM_000153.4(GALC):c.1895T>C (p.Leu632Pro)

Gene: GALC (galactosylceramidase; minus strand). Cytogenetic location: 14q31.3.
Variant type: single nucleotide variant.
Coding change: c.1895T>C on transcript NM_000153.4 (MANE Select); coding-DNA position 1895, T replaced by C.
Protein change: p.Leu632Pro; replaces leucine 632 with proline.
Molecular consequence: missense variant.
Genome position (GRCh38, 1-based): chr14:87,939,921, A>G on the plus strand (T>C on the coding strand, the complement: GALC is on the minus strand). VCF-style: chr14-87939921-A-G. GRCh37 (hg19) VCF-style: chr14-88406265-A-G.
Other names: c.1826T>C, p.Leu609Pro (NM_001201401.2); c.1817T>C, p.Leu606Pro (NM_001201402.2); short protein forms L632P, L609P, L606P.
Identifiers: ClinVar variation 552101 (VCV000552101.4), dbSNP rs1418694289, ClinGen allele CA390745430.